The following is an entry in ClinVar:

NM_007294.4(BRCA1):c.5148T>A (p.Tyr1716Ter)

Gene: BRCA1 (BRCA1 DNA repair associated; minus strand). Cytogenetic location: 17q21.31.
Variant type: single nucleotide variant.
Coding change: c.5148T>A on transcript NM_007294.4 (MANE Select); coding-DNA position 5148, T replaced by A.
Protein change: p.Tyr1716Ter; replaces tyrosine 1716 with a stop codon.
Molecular consequence: nonsense. On other transcripts: non-coding transcript variant (1).
Genome position (GRCh38, 1-based): chr17:43,063,878, A>T on the plus strand (T>A on the coding strand, the complement: BRCA1 is on the minus strand). VCF-style: chr17-43063878-A-T. GRCh37 (hg19) VCF-style: chr17-41215895-A-T.
Other names: 5267T>A (Y1716X); c.4935T>A, p.Tyr1645Ter (NM_001407571.1, NM_001407894.1, NM_001407895.1 and 12 more transcripts); c.5214T>A, p.Tyr1738Ter (NM_001407581.1, NM_001407582.1); c.5211T>A, p.Tyr1737Ter (NM_001407583.1, NM_001407585.1, NM_001407587.1 and 1 more transcripts); c.5208T>A, p.Tyr1736Ter (NM_001407590.1, NM_001407591.1); c.5148T>A, p.Tyr1716Ter (NM_001407593.1, NM_001407594.1, NM_001407596.1 and 7 more transcripts); c.5145T>A, p.Tyr1715Ter (NM_001407620.1, NM_001407621.1, NM_001407622.1 and 17 more transcripts); c.5142T>A, p.Tyr1714Ter (NM_001407627.1, NM_001407628.1, NM_001407639.1 and 14 more transcripts); and 72 more; short protein forms Y1716*, Y1669*, Y612*, Y1737*, Y1587*, Y1605*, Y1688*, Y1689*.
Identifiers: ClinVar variation 266526 (VCV000266526.6), dbSNP rs397509230, ClinGen allele CA10589616.
Genomic context (GRCh38, chr17:43,063,878, plus strand): 5'-AAAAATGCAATTCTGAGGTGTTAAAGGGAGGAGGGGAGAAATAGTATTATACTTACAGAA[A>T]TAGCTAACTACCCATTTTCCTCCCGCAATTCCTAGAAAATATTTCAGTGTCCGTTCACAC-3'

ClinVar aggregate classification (germline): Pathogenic (3 of 4 stars; one submission).

Conditions:
Breast-ovarian cancer, familial, susceptibility to, 1 (BROVCA1). Also called: BRCA1 Hereditary Breast and Ovarian Cancer; OVARIAN CANCER, SUSCEPTIBILITY TO. Identifiers: Orphanet 145, MedGen C2676676, MONDO:0011450, OMIM 604370. Disease mechanism: loss of function.

Submissions (2):

Evidence-based Network for the Interpretation of Germline Mutant Alleles (ENIGMA)
Classification: Pathogenic for Breast-ovarian cancer, familial, susceptibility to, 1. Last evaluated: 2016-10-18. Review status: reviewed by expert panel. Criteria: ENIGMA BRCA1/2 Classification Criteria (2015). Collection method: curation. Allele origin: germline.
Comment: Variant allele predicted to encode a truncated non-functional protein.

Brotman Baty Institute, University of Washington
No classification provided (evidence only). Condition: Breast-ovarian cancer, familial 1. Review status: no classification provided. Collection method: in vitro. Allele origin: not applicable. Functional consequence: functionally_abnormal. Not counted in ClinVar's aggregate classification.
ClinVar note: "not provided" was previously submitted as the classification for the variant. However, the classification appeared to be based only on an observation of functional data so it was converted to no classification on 2025-07-30.